The following is an entry in ClinVar:

ClinVar aggregate classification (germline): Pathogenic/Likely pathogenic. Review status: criteria provided, multiple submitters, no conflicts (2 of 4 stars). 6 submissions from 6 submitters: Pathogenic (5); Likely pathogenic (1). Last evaluated 2026-10-27.

Conditions:
Hereditary cancer-predisposing syndrome. Also called: Tumor predisposition; Hereditary Cancer Syndrome; Hereditary neoplastic syndrome; Neoplastic Syndromes, Hereditary. Identifiers: Orphanet 140162, MedGen C0027672, MeSH D009386, MONDO:0015356.
Familial cancer of breast. Also called: Hereditary breast cancer; hereditary breast carcinoma; BREAST CANCER, FAMILIAL. Identifiers: Orphanet 227535, MedGen C0346153, MONDO:0016419, OMIM 114480. Disease mechanism: loss of function.
Inherited breast cancer and ovarian cancer.

Submissions (6):

Genomics and Molecular Medicine Service, East Genomic Laboratory Hub, NHS Genomic Medicine Service
Classification: Pathogenic for Inherited breast cancer and ovarian cancer. Last evaluated: 2026-10-27. Review status: criteria provided, single submitter. Criteria: ACGS Best Practice Guidelines for Variant Classification in Rare Disease 2020. Collection method: clinical testing. Allele origin: germline. Affected: yes.
Comment: PVS1,PM2_Supporting,PM5_Supporting

Labcorp Genetics (formerly Invitae), Labcorp
Classification: Pathogenic for Familial cancer of breast. Last evaluated: 2025-12-20. Review status: criteria provided, single submitter. Criteria: Invitae Variant Classification Sherloc (09022015). Collection method: clinical testing. Allele origin: germline.
Comment: This sequence change creates a premature translational stop signal (p.Cys284*) in the CHEK2 gene. It is expected to result in an absent or disrupted protein product. Loss-of-function variants in CHEK2 are known to be pathogenic (PMID: 21876083, 24713400). This variant is not present in population databases (gnomAD no frequency). This premature translational stop signal has been observed in individual(s) with breast and/or ovarian cancer (PMID: 26911350). ClinVar contains an entry for this variant (Variation ID: 449826). For these reasons, this variant has been classified as Pathogenic.

Color Diagnostics, LLC DBA Color Health
Classification: Pathogenic for Hereditary cancer-predisposing syndrome. Last evaluated: 2024-12-10. Review status: criteria provided, single submitter. Criteria: ACMG Guidelines, 2015. Collection method: clinical testing. Allele origin: germline.
Comment: This variant changes 1 nucleotide in exon 8/15 of the CHEK2 gene, creating a premature translation stop signal. This variant is expected to result in an absent or non-functional protein product. This variant has been reported in individuals with an indication for breast and/or ovarian cancer (PMID: 26911350). This variant has not been identified in the general population by the Genome Aggregation Database (gnomAD). Loss of CHEK2 function is a known mechanism of disease. Based on the available evidence, this variant is classified as Pathogenic.

Ambry Genetics
Classification: Pathogenic for Hereditary cancer-predisposing syndrome. Last evaluated: 2024-09-23. Review status: criteria provided, single submitter. Criteria: Ambry Variant Classification Scheme 2023. Collection method: clinical testing. Allele origin: germline.
Comment: The p.C284* pathogenic mutation (also known as c.852C>A), located in coding exon 7 of the CHEK2 gene, results from a C to A substitution at nucleotide position 852. This changes the amino acid from a cysteine to a stop codon within coding exon 7. This variant is considered to be rare based on population cohorts in the Genome Aggregation Database (gnomAD). In addition to the clinical data presented in the literature, this alteration is expected to result in loss of function by premature protein truncation or nonsense-mediated mRNA decay. As such, this alteration is interpreted as a disease-causing mutation.

Myriad Genetics, Inc.
Classification: Pathogenic for Familial cancer of breast. Last evaluated: 2023-06-27. Review status: criteria provided, single submitter. Criteria: Myriad Autosomal Dominant, Autosomal Recessive and X-Linked Classification Criteria (2023). Collection method: clinical testing. Allele origin: unknown.
Comment: This variant is considered pathogenic. This variant creates a termination codon and is predicted to result in premature protein truncation.

GeneDx
Classification: Likely pathogenic. Last evaluated: 2017-06-12. Review status: criteria provided, single submitter. Criteria: GeneDx Variant Classification (06012015). Collection method: clinical testing. Allele origin: germline. Affected: yes.
Comment: This variant is denoted CHEK2 c.852C>A at the cDNA level and p.Cys284Ter (C284X) at the proteinlevel. The substitution creates a nonsense variant, which changes a Cysteine to a premature stop codon (TGC>TGA),and is predicted to cause loss of normal protein function through either protein truncation or nonsense-mediated mRNAdecay. This variant has been reported in at least one individual with hereditary breast cancer (Mannan 2016) and isconsidered likely pathogenic.

Literature cited by the submitters: PubMed 21876083 (cited by Labcorp Genetics (formerly Invitae), Labcorp); PubMed 24713400 (cited by Labcorp Genetics (formerly Invitae), Labcorp); PubMed 26911350 (cited by 3 submitters).

NM_007194.4(CHEK2):c.852C>A (p.Cys284Ter)

Gene: CHEK2 (checkpoint kinase 2; minus strand). Cytogenetic location: 22q12.1.
Variant type: single nucleotide variant.
Coding change: c.852C>A on transcript NM_007194.4 (MANE Select); coding-DNA position 852, C replaced by A.
Protein change: p.Cys284Ter; replaces cysteine 284 with a stop codon.
Molecular consequence: nonsense.
Genome position (GRCh38, 1-based): chr22:28,703,561, G>T on the plus strand (C>A on the coding strand, the complement: CHEK2 is on the minus strand). VCF-style: chr22-28703561-G-T. GRCh37 (hg19) VCF-style: chr22-29099549-G-T.
Other names: c.981C>A, p.Cys327Ter (NM_001005735.3); c.189C>A, p.Cys63Ter (NM_001257387.3); c.651C>A, p.Cys217Ter (NM_001349956.3); c.852C>A, p.Cys284Ter (NM_145862.3); short protein forms C284*, C217*, C327*, C63*.
Identifiers: ClinVar variation 449826 (VCV000449826.18), dbSNP rs1555917031, ClinGen allele CA411101344.